The following is an entry in ClinVar:

NM_018194.6(HHAT):c.302G>T (p.Gly101Val)

Gene: HHAT (hedgehog acyltransferase; plus strand). Cytogenetic location: 1q32.2.
Variant type: single nucleotide variant.
Coding change: c.302G>T on transcript NM_018194.6 (MANE Select); coding-DNA position 302, G replaced by T.
Protein change: p.Gly101Val; replaces glycine 101 with valine.
Molecular consequence: missense variant. On other transcripts: intron variant (2).
Genome position (GRCh38, 1-based): chr1:210,400,496, G>T. VCF-style: chr1-210400496-G-T. GRCh37 (hg19) VCF-style: chr1-210573840-G-T.
Other names: c.302G>T, p.Gly101Val (NM_001122834.4, NM_001170580.3); c.305G>T, p.Gly102Val (NM_001170587.3); c.273+12915G>T (NM_001170564.3); c.274-3968G>T (NM_001170588.3); short protein forms G101V, G102V.
Identifiers: ClinVar variation 4529845 (VCV004529845.1).

ClinVar aggregate classification (germline): Uncertain significance (1 of 4 stars; one submission).

Submission:

GeneDx
Classification: Uncertain significance. Last evaluated: 2025-05-12. Review status: criteria provided, single submitter. Criteria: GeneDx Variant Classification Process June 2021. Collection method: clinical testing. Allele origin: germline. Affected: yes.
Comment: Not observed at significant frequency in large population cohorts (gnomAD); In silico analysis supports that this missense variant has a deleterious effect on protein structure/function; Has not been previously published as pathogenic or benign to our knowledge